The following is an entry in ClinVar:

ClinVar aggregate classification (germline): Conflicting classifications of pathogenicity. Review status: criteria provided, conflicting classifications (1 of 4 stars). 5 submissions from 5 submitters: Uncertain significance (3); Likely benign (2). Last evaluated 2026-01-11.

Conditions:
Cardiovascular phenotype. Identifiers: MedGen CN230736.
Arrhythmogenic right ventricular cardiomyopathy (ARVD). Also called: Cardiomyopathy, ARVC; Arrhythmogenic right ventricular dysplasia; Arrhythmogenic cardiomyopathy; Arrhythmogenic Right Ventricular Cardiomyopathy (ARVC). Identifiers: Orphanet 247, MedGen C0349788, MeSH D019571, MONDO:0016587. Disease mechanism: loss of function. Inheritance: Various modes of inheritance.
Cardiomyopathy (CMYO). Also called: Cardiomyopathies. Identifiers: Orphanet 167848, MedGen C0878544, MONDO:0004994, HP:0001638. Inheritance: Various modes of inheritance.
Arrhythmogenic right ventricular dysplasia 10. Also called: Arrhythmogenic Right Ventricular Dysplasia/Cardiomyopathy10; Arrhythmogenic right ventricular dysplasia/cardiomyopathy, type 10; ARRHYTHMOGENIC RIGHT VENTRICULAR DYSPLASIA, FAMILIAL, 10. Identifiers: MedGen C1857777, MONDO:0012434, OMIM 610193.

Allele frequency attached by ClinVar (database versions not stated): TOPMed below 0.00001; ExAC 0.00001; gnomAD 0.00001; gnomAD exomes 0.00002.
gnomAD v4.1: 21 of 1,613,936 alleles (0.0013%); highest among the groups gnomAD compares: Middle Eastern, 0.016%; no homozygotes.

Submissions (5):

Labcorp Genetics (formerly Invitae), Labcorp
Classification: Uncertain significance for Arrhythmogenic right ventricular dysplasia 10. Last evaluated: 2026-01-11. Review status: criteria provided, single submitter. Criteria: Invitae Variant Classification Sherloc (09022015). Collection method: clinical testing. Allele origin: germline.
Comment: This sequence change replaces arginine, which is basic and polar, with serine, which is neutral and polar, at codon 365 of the DSG2 protein (p.Arg365Ser). This variant is present in population databases (rs749191457, gnomAD 0.003%). This missense change has been observed in individual(s) with unspecified cardiomyopathy (PMID: 30847666). ClinVar contains an entry for this variant (Variation ID: 925733). Invitae Evidence Modeling of protein sequence and biophysical properties (such as structural, functional, and spatial information, amino acid conservation, physicochemical variation, residue mobility, and thermodynamic stability) indicates that this missense variant is not expected to disrupt DSG2 protein function with a negative predictive value of 95%. In summary, the available evidence is currently insufficient to determine the role of this variant in disease. Therefore, it has been classified as a Variant of Uncertain Significance.

Ambry Genetics
Classification: Likely benign for Cardiovascular phenotype. Last evaluated: 2024-06-10. Review status: criteria provided, single submitter. Criteria: Ambry Variant Classification Scheme 2023. Collection method: clinical testing. Allele origin: germline.

All of Us Research Program, National Institutes of Health
Classification: Uncertain significance for Arrhythmogenic right ventricular cardiomyopathy. Last evaluated: 2023-12-01. Review status: criteria provided, single submitter. Criteria: ACMG Guidelines, 2015. Collection method: clinical testing. Allele origin: germline. Inheritance: Autosomal dominant inheritance. Observed: 2 variant alleles, 2 heterozygotes.
Comment: This missense variant replaces arginine with serine at codon 365 of the DSG2 protein. Computational prediction suggests that this variant may not impact protein structure and function (internally defined REVEL score threshold <= 0.5, PMID: 27666373). To our knowledge, functional studies have not been reported for this variant. This variant has not been reported in individuals affected with cardiovascular disorders in the literature. This variant has been identified in 5/280796 chromosomes in the general population by the Genome Aggregation Database (gnomAD). The available evidence is insufficient to determine the role of this variant in disease conclusively. Therefore, this variant is classified as a Variant of Uncertain Significance.

This study involves interpretation of variants in research participants for the purpose of population health screening. Participant phenotype was not available at the time of variant classification. Additional details can be found in publication PMID: 35346344, PMCID: PMC8962531

Color Diagnostics, LLC DBA Color Health
Classification: Uncertain significance for Cardiomyopathy. Last evaluated: 2023-06-16. Review status: criteria provided, single submitter. Criteria: ACMG Guidelines, 2015. Collection method: clinical testing. Allele origin: germline.
Comment: This missense variant replaces arginine with serine at codon 365 of the DSG2 protein. Computational prediction suggests that this variant may not impact protein structure and function (internally defined REVEL score threshold <= 0.5, PMID: 27666373). To our knowledge, functional studies have not been reported for this variant. This variant has not been reported in individuals affected with DSG2-related disorders in the literature. This variant has been identified in 5/280796 chromosomes in the general population by the Genome Aggregation Database (gnomAD). The available evidence is insufficient to determine the role of this variant in disease conclusively. Therefore, this variant is classified as a Variant of Uncertain Significance.

Blueprint Genetics
Classification: Likely benign. Last evaluated: 2023-01-16. Review status: criteria provided, single submitter. Criteria: ACMG Guidelines, 2015. Collection method: clinical testing. Allele origin: germline.

Literature cited by the submitters: PubMed 30847666 (cited by Labcorp Genetics (formerly Invitae), Labcorp and Ambry Genetics).

NM_001943.5(DSG2):c.1095G>C (p.Arg365Ser)

Gene: DSG2 (desmoglein 2; plus strand). Cytogenetic location: 18q12.1.
Variant type: single nucleotide variant.
Coding change: c.1095G>C on transcript NM_001943.5 (MANE Select); coding-DNA position 1095, G replaced by C.
Protein change: p.Arg365Ser; replaces arginine 365 with serine.
Molecular consequence: missense variant.
Genome position (GRCh38, 1-based): chr18:31,531,067, G>C. VCF-style: chr18-31531067-G-C. GRCh37 (hg19) VCF-style: chr18-29111030-G-C.
Other names: c.1095G>C (NM_001943.3); short protein forms R365S.
Identifiers: ClinVar variation 925733 (VCV000925733.14), dbSNP rs749191457, ClinGen allele CA041385.